The following is an entry in ClinVar:

NM_001046.3(SLC12A2):c.352dup (p.Ala118fs)

Gene: SLC12A2 (solute carrier family 12 member 2; plus strand). Cytogenetic location: 5q23.3.
Variant type: Duplication.
Coding change: c.352dup on transcript NM_001046.3 (MANE Select); coding-DNA position 352, one base duplicated (G; older notation c.352dupG).
Protein change: p.Ala118fs; shifts the reading frame from alanine 118.
Molecular consequence: frameshift variant. On other transcripts: non-coding transcript variant (1).
Genome position (GRCh38, 1-based): chr5:128,084,306, G duplicated. VCF-style (leftmost placement, unchanged base first): chr5-128084305-C-CG. GRCh37 (hg19) VCF-style: chr5-127419997-C-CG.
Other names: c.352dup, p.Ala118fs (NM_001256461.2); short protein forms A118fs.
Identifiers: ClinVar variation 3894582 (VCV003894582.1).

ClinVar aggregate classification (germline): Likely pathogenic (1 of 4 stars; one submission).

Conditions:
Delpire-McNeill syndrome. Also called: SLC12A2-related autosomal dominant infantile-developmental delay-intellectual disability-sensorineural deafness syndrome. Identifiers: Orphanet 633024, MedGen C5436771, MONDO:0033667, OMIM 619083.

Submission:

MVZ Medizinische Genetik Mainz
Classification: Likely pathogenic for Delpire-McNeill syndrome. Last evaluated: 2025-04-04. Review status: criteria provided, single submitter. Criteria: UK Practice Guidelines For Variant Classification V4 01 2020. Collection method: clinical testing. Allele origin: germline. Inheritance: Autosomal dominant inheritance. Affected: yes. Observed: 1 variant allele.
Comment: ACMG Criteria: PVS1,PM2_SUP